The following is an entry in ClinVar:

NM_000350.3(ABCA4):c.1411G>A (p.Glu471Lys)

Gene: ABCA4 (ATP binding cassette subfamily A member 4; minus strand). Cytogenetic location: 1p22.1.
Variant type: single nucleotide variant.
Coding change: c.1411G>A on transcript NM_000350.3 (MANE Select); coding-DNA position 1411, G replaced by A.
Protein change: p.Glu471Lys; replaces glutamic acid 471 with lysine.
Molecular consequence: missense variant.
Genome position (GRCh38, 1-based): chr1:94,077,833, C>T on the plus strand (G>A on the coding strand, the complement: ABCA4 is on the minus strand). VCF-style: chr1-94077833-C-T. GRCh37 (hg19) VCF-style: chr1-94543389-C-T.
Other names: c.1411G>A, p.Glu471Lys (NM_001425324.1); short protein forms E471K.
Identifiers: ClinVar variation 99052 (VCV000099052.68), dbSNP rs1800548, ClinGen allele CA226892.

ClinVar aggregate classification (germline): Conflicting classifications of pathogenicity. Review status: criteria provided, conflicting classifications (1 of 4 stars). 14 submissions from 14 submitters: Uncertain significance (7); Benign (1); Likely benign (4). 2 of the submissions do not count toward it. Last evaluated 2026-08-01.

Conditions:
ABCA4-related disorder. Also called: ABCA4-related disorders; ABCA4-related condition. Identifiers: MedGen CN239167.
Inborn genetic diseases. Identifiers: MedGen C0950123, MeSH D030342.
Retinal dystrophy. Also called: Inherited retinal dystrophy. Identifiers: Orphanet 71862, MedGen C0854723, MeSH D058499, MONDO:0019118, HP:0000556.
Age related macular degeneration 2. Also called: MACULAR DEGENERATION, SENILE; MACULOPATHY, AGE-RELATED, 2; MACULOPATHY, AGE-RELATED. Identifiers: MedGen C3495438, MONDO:0007932, OMIM 153800.
Stargardt disease (FFM). Also called: Fundus flavimaculatus; Stargardt's disease. Identifiers: Orphanet 827, MedGen C0271093, MONDO:0019353.
Severe early-childhood-onset retinal dystrophy (STGD1). Also called: MACULAR DYSTROPHY WITH FLECKS, TYPE 1; STGD; Stargardt macular dystrophy; Juvenile onset macular degeneration; Stargardt disease 1. Identifiers: Orphanet 364055, Orphanet 827, MedGen C1855465, MeSH D000080362, MONDO:0009549, OMIM 248200.

Allele frequency attached by ClinVar (database versions not stated): TOPMed 0.00060; gnomAD exomes 0.00069 and 0.00083; ESP Exome Variant Server 0.00085; gnomAD 0.00089 and 0.00090; ExAC 0.00094.
gnomAD v4.1: 1,171 of 1,614,108 alleles (0.073%); highest among the groups gnomAD compares: South Asian, 0.085%; 3 homozygotes.

Submissions (14):

CeGaT Center for Human Genetics Tuebingen
Classification: Likely benign. Last evaluated: 2026-08-01. Review status: criteria provided, single submitter. Criteria: CeGaT Center For Human Genetics Tuebingen Variant Classification Criteria Version 2. Collection method: clinical testing. Allele origin: germline. Affected: yes. Observed: 6 variant alleles.
Comment: ABCA4: BP4

PreventionGenetics, part of Exact Sciences
Classification: Uncertain significance for ABCA4-related condition. Last evaluated: 2026-02-02. Review status: criteria provided, single submitter. Criteria: ACMG Guidelines, 2015. Collection method: clinical testing. Allele origin: germline.
Comment: The ABCA4 c.1411G>A variant is predicted to result in the amino acid substitution p.Glu471Lys. This variant has been reported in a patient with a foveal-sparing phenotype of Stargardt disease (Fujinami et al. 2013. PubMed ID: 23953153). This variant has also been reported in patients with age-related macular degeneration (AMD) (see, for example, Allikmets et al. 1997. PubMed ID: 9295268). However, functional studies suggested that this variant resulted in basal ATPase activity and retinal-stimulated activity similar to wild-type (Sun et al. 2000. PubMed ID: 11017087). This variant is present in 0.62% of alleles, including 3 homozygotes in v4.1.0, in individuals of Ashkenazi Jewish descent in gnomAD. At this time, the clinical significance of this variant is uncertain due to the absence of conclusive functional and genetic evidence.

Labcorp Genetics (formerly Invitae), Labcorp
Classification: Benign. Last evaluated: 2026-01-24. Review status: criteria provided, single submitter. Criteria: Invitae Variant Classification Sherloc (09022015). Collection method: clinical testing. Allele origin: germline.

GeneDx
Classification: Uncertain significance. Last evaluated: 2024-12-17. Review status: criteria provided, single submitter. Criteria: GeneDx Variant Classification Process June 2021. Collection method: clinical testing. Allele origin: germline. Affected: yes.
Comment: Published functional studies demonstrate no impact on ATP binding and hydrolysis (PMID: 11017087); In silico analysis indicates that this missense variant does not alter protein structure/function; This variant is associated with the following publications: (PMID: 25087612, 9295268, 11919200, 10958763, 14971589, 9973280, 18977788, 27491360, 19230850, 19074458, 12796258, 16546111, 10090887, 12037008, 28446513, 9781034, 23953153, 35120629, 31456290, 31964843, 34321860, 11017087)

Blueprint Genetics
Classification: Likely benign. Last evaluated: 2024-11-13. Review status: criteria provided, single submitter. Criteria: ACMG Guidelines, 2015. Collection method: clinical testing. Allele origin: germline.

Women's Health and Genetics/Laboratory Corporation of America, LabCorp
Classification: Likely benign. Last evaluated: 2023-06-02. Review status: criteria provided, single submitter. Criteria: LabCorp Variant Classification Summary - May 2015. Collection method: clinical testing. Allele origin: germline.
Comment: Variant summary: ABCA4 c.1411G>A (p.Glu471Lys) results in a conservative amino acid change in the encoded protein sequence. Four of five in-silico tools predict a benign effect of the variant on protein function. The variant allele was found at a frequency of 0.00083 in 251400 control chromosomes in GnomAD. This frequency is not significantly higher than estimated for a pathogenic variant in ABCA4 causing Retinitis Pigmentosa (0.00083 vs 0.0014), allowing no conclusion about variant significance. c.1411G>A has been reported in the literature in individuals affected with Retinitis Pigmentosa or Stargardt disease, but the second pathogenic variant and the phase information are not always known (example: Allikmets_1997, Lewis_1999, Hanany_2020, Reinhard_2007, Sharon_2019). These data do not allow any conclusion about variant significance. Co-occurrences with other pathogenic variants have been reported (phase unknown with p.Gly863Ala and p.Asp1532Asn of ABCA4; in cis with c.4919G>A/p.Arg1640Gln of ABCA4), providing supporting evidence for a benign role (Fujinami_2013 and Mena_2021). At least one publication reports experimental evidence evaluating an impact on protein function. These results showed no damaging effect of this variant (Sun_2000). The following publications have been ascertained in the context of this evaluation (PMID: 9295268, 23953153, 31964843, 33841504, 17562343, 10958763, 31456290, 11017087, 11328725). Ten clinical diagnostic laboratories have submitted clinical-significance assessments for this variant to ClinVar after 2014 without evidence for independent evaluation. Multiple laboratories reported the variant with conflicting assessments (VUS: 8, Likely pathognic: 1, Benign: 1) . Based on the evidence outlined above, the variant was classified as likely benign.

Institute of Human Genetics, University of Leipzig Medical Center
Classification: Uncertain significance for Severe early-childhood-onset retinal dystrophy. Last evaluated: 2023-01-31. Review status: criteria provided, single submitter. Criteria: ACMG Guidelines, 2015. Collection method: clinical testing. Allele origin: unknown. Affected: yes.
Comment: This variant was identified together with NM_000350.3:c.1622T>C, NM_000350.3:c.3113C>T, NM_000350.3:c.2588G>C and NM_000350.3:c.5693G>A.

Institute of Human Genetics, Univ. Regensburg, Univ. Regensburg
Classification: Likely benign for Retinal dystrophy. Last evaluated: 2023-01-01. Review status: criteria provided, single submitter. Criteria: ACMG Guidelines, 2015. Collection method: clinical testing. Allele origin: germline. Affected: yes.

CENTOGENE GmbH and LLC - Guiding Precision Medicine
Classification: Uncertain significance for Age related macular degeneration 2. Last evaluated: 2018-10-09. Review status: criteria provided, single submitter. Criteria: ACMG Guidelines, 2015. Collection method: clinical testing. Allele origin: germline. Affected: yes.

Ambry Genetics
Classification: Uncertain significance for Inborn genetic diseases. Last evaluated: 2017-08-28. Review status: criteria provided, single submitter. Criteria: Ambry exome assertion method (8-5-2015). Collection method: clinical testing. Allele origin: germline. Affected: yes. Observed: 1 variant allele.

Illumina Laboratory Services, Illumina
Classification: Uncertain significance for ABCA4-Related Disorders. Last evaluated: 2017-04-27. Review status: criteria provided, single submitter. Criteria: ICSL Variant Classification Criteria 13 December 2019. Collection method: clinical testing. Allele origin: germline.

Eurofins Ntd Llc (ga)
Classification: Uncertain significance. Last evaluated: 2017-02-17. Review status: criteria provided, single submitter. Criteria: EGL Classification Definitions 2015. Collection method: clinical testing. Allele origin: germline. Observed: 2 variant alleles, 2 heterozygotes.

Sharon lab, Hadassah-Hebrew University Medical Center
Classification: Likely pathogenic for Stargardt disease. Last evaluated: 2019-06-23. Review status: no assertion criteria provided. Collection method: research. Allele origin: inherited. Affected: yes. Not counted in ClinVar's aggregate classification.

Retina International
No classification provided. Review status: no classification provided. Collection method: not provided. Allele origin: unknown. Not counted in ClinVar's aggregate classification.

Literature cited by the submitters: PubMed 29925512 (cited by Women's Health and Genetics/Laboratory Corporation of America, LabCorp); PubMed 31456290 (cited by Women's Health and Genetics/Laboratory Corporation of America, LabCorp and Institute of Human Genetics, Univ. Regensburg, Univ. Regensburg); PubMed 25999674 (cited by Women's Health and Genetics/Laboratory Corporation of America, LabCorp); PubMed 11017087 (cited by Women's Health and Genetics/Laboratory Corporation of America, LabCorp and Institute of Human Genetics, Univ. Regensburg, Univ. Regensburg); PubMed 31964843 (cited by Women's Health and Genetics/Laboratory Corporation of America, LabCorp and Institute of Human Genetics, Univ. Regensburg, Univ. Regensburg); PubMed 11328725 (cited by Women's Health and Genetics/Laboratory Corporation of America, LabCorp and Eurofins Ntd Llc (ga)); PubMed 33841504 (cited by Women's Health and Genetics/Laboratory Corporation of America, LabCorp); PubMed 9973280 (cited by 3 submitters); PubMed 34321860 (cited by Women's Health and Genetics/Laboratory Corporation of America, LabCorp); PubMed 9295268 (cited by 3 submitters); PubMed 23953153 (cited by 4 submitters); PubMed 17562343 (cited by Women's Health and Genetics/Laboratory Corporation of America, LabCorp); PubMed 10958763 (cited by Women's Health and Genetics/Laboratory Corporation of America, LabCorp and Eurofins Ntd Llc (ga)); PubMed 25087612 (cited by Institute of Human Genetics, Univ. Regensburg, Univ. Regensburg); PubMed 14517951 (cited by Eurofins Ntd Llc (ga)).